The following is an entry in ClinVar:

ClinVar aggregate classification (germline): Uncertain significance. Review status: criteria provided, multiple submitters, no conflicts (2 of 4 stars). 2 submissions from 2 submitters: Uncertain significance (2). Last evaluated 2025-10-14.

Allele frequency attached by ClinVar (database versions not stated): gnomAD exomes 0.00001; gnomAD 0.00003; TOPMed 0.00003; ExAC 0.00005.
gnomAD v4.1: 21 of 1,613,922 alleles (0.0013%); highest among the groups gnomAD compares: East Asian, 0.047%; no homozygotes.

Submissions (2):

Labcorp Genetics (formerly Invitae), Labcorp
Classification: Uncertain significance. Last evaluated: 2025-10-14. Review status: criteria provided, single submitter. Criteria: Invitae Variant Classification Sherloc (09022015). Collection method: clinical testing. Allele origin: germline.
Comment: This sequence change replaces phenylalanine, which is neutral and non-polar, with leucine, which is neutral and non-polar, at codon 926 of the NPAT protein (p.Phe926Leu). This variant is present in population databases (rs776591591, gnomAD 0.1%), and has an allele count higher than expected for a pathogenic variant. This variant has not been reported in the literature in individuals affected with NPAT-related conditions. ClinVar contains an entry for this variant (Variation ID: 1795856). An algorithm developed to predict the effect of missense changes on protein structure and function (PolyPhen-2) suggests that this variant is likely to be tolerated. In summary, the available evidence is currently insufficient to determine the role of this variant in disease. Therefore, it has been classified as a Variant of Uncertain Significance.

Ambry Genetics
Classification: Uncertain significance. Last evaluated: 2023-11-09. Review status: criteria provided, single submitter. Criteria: Ambry Variant Classification Scheme 2023. Collection method: clinical testing. Allele origin: germline.
Comment: The p.F926L variant (also known as c.2776T>C), located in coding exon 13 of the NPAT gene, results from a T to C substitution at nucleotide position 2776. The phenylalanine at codon 926 is replaced by leucine, an amino acid with highly similar properties. This amino acid position is conserved. In addition, this alteration is predicted to be tolerated by in silico analysis. Since supporting evidence is limited at this time, the clinical significance of this alteration remains unclear.

NM_002519.3(NPAT):c.2776T>C (p.Phe926Leu)

Gene: NPAT (nuclear protein, coactivator of histone transcription; minus strand). Cytogenetic location: 11q22.3.
Variant type: single nucleotide variant.
Coding change: c.2776T>C on transcript NM_002519.3 (MANE Select); coding-DNA position 2776, T replaced by C.
Protein change: p.Phe926Leu; replaces phenylalanine 926 with leucine.
Molecular consequence: missense variant.
Genome position (GRCh38, 1-based): chr11:108,172,208, A>G on the plus strand (T>C on the coding strand, the complement: NPAT is on the minus strand). VCF-style: chr11-108172208-A-G. GRCh37 (hg19) VCF-style: chr11-108042935-A-G.
Other names: c.2776T>C, p.Phe926Leu (NM_001321307.1); short protein forms F926L.
Identifiers: ClinVar variation 1795856 (VCV001795856.4), dbSNP rs776591591, ClinGen allele CA6263765.
Genomic context (GRCh38, chr11:108,172,208, plus strand): 5'-AATTAGATCCCAACCCAGAGAAACAAATTTCAATTATGTTATTAAAGTTACCTTGTGAAA[A>G]GTTTGGTGACACAGCTTGGTTGACAGCAAATACACTGTTTGACCTTGGTGGTGTCTGTAA-3'
Protein context (NP_002510.2, residues 916-936): FAVNQAVSPN[Phe926Leu]SQGSAIIIAS